The following is an entry in ClinVar:

ClinVar aggregate classification (germline): Uncertain significance (1 of 4 stars; one submission).

gnomAD v4.1: 1 of 1,612,890 alleles (0.000062%); highest among the groups gnomAD compares: Non-Finnish European, 0.000085%; no homozygotes.

Submission:

GeneDx
Classification: Uncertain significance. Last evaluated: 2025-01-07. Review status: criteria provided, single submitter. Criteria: GeneDx Variant Classification Process June 2021. Collection method: clinical testing. Allele origin: germline. Affected: yes.
Comment: Not observed at significant frequency in large population cohorts (gnomAD); In silico analysis supports that this missense variant has a deleterious effect on protein structure/function; Has not been previously published as pathogenic or benign to our knowledge

NM_000540.3(RYR1):c.7712G>A (p.Gly2571Asp)

Gene: RYR1 (ryanodine receptor 1; plus strand). Cytogenetic location: 19q13.2.
Variant type: single nucleotide variant.
Coding change: c.7712G>A on transcript NM_000540.3 (MANE Select); coding-DNA position 7712, G replaced by A.
Protein change: p.Gly2571Asp; replaces glycine 2571 with aspartic acid.
Molecular consequence: missense variant.
Genome position (GRCh38, 1-based): chr19:38,502,604, G>A. VCF-style: chr19-38502604-G-A. GRCh37 (hg19) VCF-style: chr19-38993244-G-A.
Other names: c.7712G>A, p.Gly2571Asp (NM_001042723.2); short protein forms G2571D.
Identifiers: ClinVar variation 4057012 (VCV004057012.1).
Genomic context (GRCh38, chr19:38,502,604, plus strand): 5'-ACCGCTACCTGTGCCTGGCCGTGCTGCCGCTCATCACCAAGTGTGCGCCGCTCTTTGCGG[G>A]CACAGAACACCGCGCCATCATGGTGGACTCTATGCTGCATACCGTGTACCGCCTGTCTCG-3'
Protein context (NP_000531.2, residues 2561-2581): LITKCAPLFA[Gly2571Asp]TEHRAIMVDS